The following is an entry in ClinVar:

NM_001349253.2(SCN11A):c.2932A>G (p.Ile978Val)

Gene: SCN11A (sodium voltage-gated channel alpha subunit 11; minus strand). Cytogenetic location: 3p22.2.
Variant type: single nucleotide variant.
Coding change: c.2932A>G on transcript NM_001349253.2 (MANE Select); coding-DNA position 2932, A replaced by G.
Protein change: p.Ile978Val; replaces isoleucine 978 with valine.
Molecular consequence: missense variant.
Genome position (GRCh38, 1-based): chr3:38,886,142, T>C on the plus strand (A>G on the coding strand, the complement: SCN11A is on the minus strand). VCF-style: chr3-38886142-T-C. GRCh37 (hg19) VCF-style: chr3-38927633-T-C.
Other names: c.2932A>G, p.Ile978Val (NM_014139.3); short protein forms I978V.
Identifiers: ClinVar variation 1037657 (VCV001037657.8), dbSNP rs1402451637, ClinGen allele CA352174048.

ClinVar aggregate classification (germline): Uncertain significance. Review status: criteria provided, multiple submitters, no conflicts (2 of 4 stars). 2 submissions from 2 submitters: Uncertain significance (2). Last evaluated 2025-04-24.

Conditions:
Inborn genetic diseases. Identifiers: MedGen C0950123, MeSH D030342.
Familial episodic pain syndrome with predominantly lower limb involvement. Also called: Episodic pain syndrome, familial, 3. Identifiers: Orphanet 391384, Orphanet 391392, MedGen C3809899, MONDO:0014247, OMIM 615552.
Hereditary sensory and autonomic neuropathy type 7. Also called: HSAN VII; Neuropathy, hereditary sensory and autonomic, type VII. Identifiers: Orphanet 391397, MedGen C3809882, MONDO:0014244, OMIM 615548.

Allele frequency attached by ClinVar (database versions not stated): TOPMed 0.00002; gnomAD exomes 0.00001 and 0.00002; gnomAD 0.00002.
gnomAD v4.1: 29 of 1,611,200 alleles (0.0018%); highest among the groups gnomAD compares: Non-Finnish European, 0.0025%; no homozygotes.

Submissions (2):

Labcorp Genetics (formerly Invitae), Labcorp
Classification: Uncertain significance for Familial episodic pain syndrome with predominantly lower limb involvement; Hereditary sensory and autonomic neuropathy type 7. Last evaluated: 2025-04-24. Review status: criteria provided, single submitter. Criteria: Invitae Variant Classification Sherloc (09022015). Collection method: clinical testing. Allele origin: germline.
Comment: This sequence change replaces isoleucine, which is neutral and non-polar, with valine, which is neutral and non-polar, at codon 978 of the SCN11A protein (p.Ile978Val). This variant is present in population databases (no rsID available, gnomAD 0.005%). This variant has not been reported in the literature in individuals affected with SCN11A-related conditions. ClinVar contains an entry for this variant (Variation ID: 1037657). An algorithm developed to predict the effect of missense changes on protein structure and function outputs the following: PolyPhen-2: "Benign". The valine amino acid residue is found in multiple mammalian species, which suggests that this missense change does not adversely affect protein function. In summary, the available evidence is currently insufficient to determine the role of this variant in disease. Therefore, it has been classified as a Variant of Uncertain Significance.

Ambry Genetics
Classification: Uncertain significance for Inborn genetic diseases. Last evaluated: 2025-01-20. Review status: criteria provided, single submitter. Criteria: Ambry Variant Classification Scheme 2023. Collection method: clinical testing. Allele origin: germline.